The following is an entry in ClinVar:

NM_001370259.2(MEN1):c.1219C>G (p.Pro407Ala)

Gene: MEN1 (menin 1; minus strand). Cytogenetic location: 11q13.1.
Variant type: single nucleotide variant.
Coding change: c.1219C>G on transcript NM_001370259.2 (MANE Select); coding-DNA position 1219, C replaced by G.
Protein change: p.Pro407Ala; replaces proline 407 with alanine.
Molecular consequence: missense variant.
Genome position (GRCh38, 1-based): chr11:64,805,165, G>C on the plus strand (C>G on the coding strand, the complement: MEN1 is on the minus strand). VCF-style: chr11-64805165-G-C. GRCh37 (hg19) VCF-style: chr11-64572637-G-C.
Other names: c.1234C>G, p.Pro412Ala (NM_000244.4, NM_130800.3, NM_130801.3 and 3 more transcripts); c.1345C>G, p.Pro449Ala (NM_001370251.2); c.1219C>G, p.Pro407Ala (NM_001370260.2, NM_001370261.2, NM_130799.3); c.1114C>G, p.Pro372Ala (NM_001370262.2, NM_001370263.2); short protein forms P412A, P407A, P372A, P449A.
Identifiers: ClinVar variation 403829 (VCV000403829.16), dbSNP rs1060499985, ClinGen allele CA16613461.
Genomic context (GRCh38, chr11:64,805,165, plus strand): 5'-TGCCCTCCTCCCATTTGCAGATGCCGTCGTAGAATCGCAGCAGGTGGGCGAAGCACTCAG[G>C]GTCCTGGAGGGCGGAACCTTGGCTCTGGGTGCCCTGGACGAGGGGGAAGGGAGGGCACAG-3'
Protein context (NP_001357188.2, residues 397-417): TQSQGSALQD[Pro407Ala]ECFAHLLRFY

ClinVar aggregate classification (germline): Uncertain significance. Review status: criteria provided, multiple submitters, no conflicts (2 of 4 stars). 4 submissions from 4 submitters: Uncertain significance (4). Last evaluated 2025-02-15.

Conditions:
Hereditary cancer-predisposing syndrome. Also called: Tumor predisposition; Neoplastic Syndromes, Hereditary; Hereditary Cancer Syndrome; Hereditary neoplastic syndrome. Identifiers: Orphanet 140162, MedGen C0027672, MeSH D009386, MONDO:0015356.
Multiple endocrine neoplasia, type 1 (MEN1). Also called: MEN I; WERMER SYNDROME; Endocrine adenomatosis multiple; MEN 1; MEA I. Identifiers: Orphanet 652, MedGen C0025267, MeSH D018761, MONDO:0007540, OMIM 131100.

Allele frequency attached by ClinVar (database versions not stated): gnomAD exomes below 0.00001; TOPMed below 0.00001.

Submissions (4):

Labcorp Genetics (formerly Invitae), Labcorp
Classification: Uncertain significance for Multiple endocrine neoplasia, type 1. Last evaluated: 2025-02-15. Review status: criteria provided, single submitter. Criteria: Invitae Variant Classification Sherloc (09022015). Collection method: clinical testing. Allele origin: germline.
Comment: This sequence change replaces proline, which is neutral and non-polar, with alanine, which is neutral and non-polar, at codon 407 of the MEN1 protein (p.Pro407Ala). This variant is not present in population databases (gnomAD no frequency). This variant has not been reported in the literature in individuals affected with MEN1-related conditions. ClinVar contains an entry for this variant (Variation ID: 403829). Invitae Evidence Modeling of protein sequence and biophysical properties (such as structural, functional, and spatial information, amino acid conservation, physicochemical variation, residue mobility, and thermodynamic stability) has been performed for this missense variant. However, the output from this modeling did not meet the statistical confidence thresholds required to predict the impact of this variant on MEN1 protein function. In summary, the available evidence is currently insufficient to determine the role of this variant in disease. Therefore, it has been classified as a Variant of Uncertain Significance.

All of Us Research Program, National Institutes of Health
Classification: Uncertain significance for Multiple endocrine neoplasia, type 1. Last evaluated: 2024-06-11. Review status: criteria provided, single submitter. Criteria: ACMG Guidelines, 2015. Collection method: clinical testing. Allele origin: germline. Inheritance: Autosomal dominant inheritance. Observed: 1 variant allele, 1 heterozygote.
Comment: This study involves interpretation of variants in research participants for the purpose of population health screening. Participant phenotype was not available at the time of variant classification. Additional details can be found in publication PMID: 35346344, PMCID: PMC8962531

Ambry Genetics
Classification: Uncertain significance for Hereditary cancer-predisposing syndrome. Last evaluated: 2023-07-28. Review status: criteria provided, single submitter. Criteria: Ambry Variant Classification Scheme 2023. Collection method: clinical testing. Allele origin: germline.
Comment: The p.P407A variant (also known as c.1219C>G), located in coding exon 8 of the MEN1 gene, results from a C to G substitution at nucleotide position 1219. The proline at codon 407 is replaced by alanine, an amino acid with highly similar properties. This amino acid position is conserved. In addition, the in silico prediction for this alteration is inconclusive. Since supporting evidence is limited at this time, the clinical significance of this alteration remains unclear.

Revvity Omics, Revvity
Classification: Uncertain significance for Multiple endocrine neoplasia, type 1. Last evaluated: 2022-06-08. Review status: criteria provided, single submitter. Criteria: ACMG Guidelines, 2015. Collection method: clinical testing. Allele origin: germline.